The following is an entry in ClinVar:

NM_003072.5(SMARCA4):c.223-5C>G

Gene: SMARCA4 (SWI/SNF related BAF chromatin remodeling complex subunit ATPase 4; plus strand). Cytogenetic location: 19p13.2.
Variant type: single nucleotide variant.
Coding change: c.223-5C>G on transcript NM_003072.5 (MANE Select); 5 bases into the intron before coding-DNA position 223, C replaced by G.
Molecular consequence: intron variant.
Genome position (GRCh38, 1-based): chr19:10,985,268, C>G. VCF-style: chr19-10985268-C-G. GRCh37 (hg19) VCF-style: chr19-11095944-C-G.
Other names: c.223-5C>G (NM_001128844.3, NM_001128849.3, NM_001128847.4 and 6 more transcripts).
Identifiers: ClinVar variation 3445965 (VCV003445965.1).
Genomic context (GRCh38, chr19:10,985,268, plus strand): 5'-GCATAGCTGCGCTGCCACCTCACGTTCCACATGCTGACCCTGCCTTGCCATGGTCCCTCT[C>G]GCAGCCCATGGAGTCCATGCATGAGAAGGGCATGTCGGACGACCCGCGCTACAACCAGAT-3'

ClinVar aggregate classification (germline): Uncertain significance (1 of 4 stars; one submission).

Conditions:
Hereditary cancer-predisposing syndrome. Also called: Tumor predisposition; Neoplastic Syndromes, Hereditary; Hereditary neoplastic syndrome; Hereditary Cancer Syndrome. Identifiers: Orphanet 140162, MedGen C0027672, MeSH D009386, MONDO:0015356.

Submission:

Ambry Genetics
Classification: Uncertain significance for Hereditary cancer-predisposing syndrome. Last evaluated: 2024-06-25. Review status: criteria provided, single submitter. Criteria: Ambry Variant Classification Scheme 2023. Collection method: clinical testing. Allele origin: germline.
Comment: The c.223-5C>G intronic variant results from a C to G substitution 5 nucleotides upstream from coding exon 2 in the SMARCA4 gene. This nucleotide position is not well conserved in available vertebrate species. In silico splice site analysis predicts that this alteration will not have any significant effect on splicing. Based on the available evidence, the clinical significance of this variant remains unclear.